The following is an entry in ClinVar:

ClinVar aggregate classification (germline): Uncertain significance (1 of 4 stars; one submission).

Conditions:
Anemia, nonspherocytic hemolytic, due to G6PD deficiency (CNSHA1). Also called: Class I glucose-6-phosphate dehydrogenase deficiency; Favism, susceptibility to; Hemolytic anemia due to G6PD deficiency; ANEMIA, CONGENITAL, NONSPHEROCYTIC HEMOLYTIC, 1. Identifiers: Orphanet 466026, MedGen C2720289, MONDO:0010480, OMIM 300908.

Submission:

Labcorp Genetics (formerly Invitae), Labcorp
Classification: Uncertain significance for Anemia, nonspherocytic hemolytic, due to G6PD deficiency. Last evaluated: 2022-11-07. Review status: criteria provided, single submitter. Criteria: Invitae Variant Classification Sherloc (09022015). Collection method: clinical testing. Allele origin: germline.
Comment: This sequence change replaces alanine, which is neutral and non-polar, with valine, which is neutral and non-polar, at codon 339 of the G6PD protein (p.Ala339Val). This variant is not present in population databases (gnomAD no frequency). This variant has not been reported in the literature in individuals affected with G6PD-related conditions. Algorithms developed to predict the effect of missense changes on protein structure and function (SIFT, PolyPhen-2, Align-GVGD) all suggest that this variant is likely to be tolerated. In summary, the available evidence is currently insufficient to determine the role of this variant in disease. Therefore, it has been classified as a Variant of Uncertain Significance.

NM_001360016.2(G6PD):c.1016C>T (p.Ala339Val)

Gene: G6PD (glucose-6-phosphate dehydrogenase; minus strand). Cytogenetic location: Xq28.
Variant type: single nucleotide variant.
Coding change: c.1016C>T on transcript NM_001360016.2 (MANE Select); coding-DNA position 1016, C replaced by T.
Protein change: p.Ala339Val; replaces alanine 339 with valine.
Molecular consequence: missense variant.
Genome position (GRCh38, 1-based): chrX:154,532,977, G>A on the plus strand (C>T on the coding strand, the complement: G6PD is on the minus strand). VCF-style: chrX-154532977-G-A. GRCh37 (hg19) VCF-style: chrX-153761192-G-A.
Other names: c.1106C>T, p.Ala369Val (NM_000402.4); c.1016C>T, p.Ala339Val (NM_001042351.3); short protein forms A339V, A369V.
Identifiers: ClinVar variation 2887312 (VCV002887312.3), dbSNP rs2523263686, ClinGen allele CA415234417.
Genomic context (GRCh38, chrX:154,532,977, plus strand): 5'-GCTGGGCCTCGAAGGCATCACCTACCATCCCACCTCTCATTCTCCACATAGAGGACGACG[G>A]CTGCAAAAGTGGCGGTGGTGGACCCGCGGGGCACCGTGGGGTCGTCCAGGTACCCTTTGG-3'
Protein context (NP_001346945.1, residues 329-349): PRGSTTATFA[Ala339Val]VVLYVENERW